The following is an entry in ClinVar:

ClinVar aggregate classification (germline): Uncertain significance (1 of 4 stars; one submission).

Allele frequency attached by ClinVar (database versions not stated): ExAC 0.00001; gnomAD 0.00001; gnomAD exomes 0.00001; TOPMed 0.00002.
gnomAD v4.1: 10 of 1,614,172 alleles (0.00062%); highest among the groups gnomAD compares: East Asian, 0.0045%; no homozygotes.

Submission:

GeneDx
Classification: Uncertain significance. Last evaluated: 2019-08-05. Review status: criteria provided, single submitter. Criteria: GeneDx Variant Classification Process June 2021. Collection method: clinical testing. Allele origin: germline. Affected: yes.
Comment: Not observed at a significant frequency in large population cohorts (Lek et al., 2016); In silico analysis, which includes protein predictors and evolutionary conservation, supports that this variant does not alter protein structure/function; Has not been previously published as pathogenic or benign to our knowledge

NM_015294.6(TRIM37):c.2000G>A (p.Arg667Gln)

Gene: TRIM37 (tripartite motif containing 37; minus strand). Cytogenetic location: 17q22.
Variant type: single nucleotide variant.
Coding change: c.2000G>A on transcript NM_015294.6 (MANE Select); coding-DNA position 2000, G replaced by A.
Protein change: p.Arg667Gln; replaces arginine 667 with glutamine.
Molecular consequence: missense variant. On other transcripts: non-coding transcript variant (2).
Genome position (GRCh38, 1-based): chr17:59,028,672, C>T on the plus strand (G>A on the coding strand, the complement: TRIM37 is on the minus strand). VCF-style: chr17-59028672-C-T. GRCh37 (hg19) VCF-style: chr17-57106033-C-T.
Other names: c.2000G>A, p.Arg667Gln (NM_001005207.5, NM_001320988.3, NM_001320989.3 and 1 more transcripts); c.1898G>A, p.Arg633Gln (NM_001320987.3, NM_001353082.2); c.1634G>A, p.Arg545Gln (NM_001320990.3); c.1265G>A, p.Arg422Gln (NM_001353083.2); c.1538G>A, p.Arg513Gln (NM_001353085.2); c.1949G>A, p.Arg650Gln (NM_001353086.2); short protein forms R422Q, R513Q, R545Q, R633Q, R650Q, R667Q.
Identifiers: ClinVar variation 1201495 (VCV001201495.3), dbSNP rs781326614, ClinGen allele CA8678152.